The following is an entry in ClinVar:

NM_000492.4(CFTR):c.558del (p.Asn186fs)

Gene: CFTR (CF transmembrane conductance regulator; plus strand). Cytogenetic location: 7q31.2.
Variant type: Deletion.
Coding change: c.558del on transcript NM_000492.4 (MANE Select); coding-DNA position 558, one base deleted (C; older notation c.558delC).
Protein change: p.Asn186fs; shifts the reading frame from asparagine 186.
Molecular consequence: frameshift variant.
Genome position (GRCh38, 1-based): chr7:117,534,344, C deleted. VCF-style (leftmost placement, unchanged base first): chr7-117534343-AC-A. GRCh37 (hg19) VCF-style: chr7-117174397-AC-A.
Other names: 690delC; short protein forms N186fs.
Identifiers: ClinVar variation 2579744 (VCV002579744.1), dbSNP rs2485014572, ClinGen allele CA2580617911.

ClinVar aggregate classification (germline): Pathogenic (1 of 4 stars; one submission).

Conditions:
Cystic fibrosis (CF). Also called: MUCOVISCIDOSIS. Identifiers: Orphanet 586, MedGen C0010674, MONDO:0009061, OMIM 219700. Disease mechanism: loss of function.

Submission:

Institute of Human Genetics, University of Leipzig Medical Center
Classification: Pathogenic for Cystic fibrosis. Last evaluated: 2023-07-26. Review status: criteria provided, single submitter. Criteria: ACMG Guidelines, 2015. Collection method: curation. Allele origin: unknown. Affected: yes. Observed: 1 variant allele.
Comment: This variant was classified based on the report of 1 patient with a clinically confirmed diagnosis of cystic fibrosis in the context of re-classifying variants in the German Cystic Fibrosis Registry (Muko e.V.). Patients have not been seen personally, but only reports were evaluated. Criteria applied:PVS1, PM2_SUP, PP4